The following is an entry in ClinVar:

NM_000135.4(FANCA):c.1777-3C>G

Gene: FANCA (FA complementation group A; minus strand). Cytogenetic location: 16q24.3.
Variant type: single nucleotide variant.
Coding change: c.1777-3C>G on transcript NM_000135.4 (MANE Select); 3 bases into the intron before coding-DNA position 1777, C replaced by G.
Molecular consequence: intron variant.
Genome position (GRCh38, 1-based): chr16:89,778,853, G>C on the plus strand (C>G on the coding strand, the complement: FANCA is on the minus strand). VCF-style: chr16-89778853-G-C. GRCh37 (hg19) VCF-style: chr16-89845261-G-C.
Other names: c.1777-3C>G (NM_001286167.3, NM_000135.3).
Identifiers: ClinVar variation 2683407 (VCV002683407.2), dbSNP rs367624039, ClinGen allele CA286573997.

ClinVar aggregate classification (germline): Uncertain significance. Review status: criteria provided, single submitter (1 of 4 stars). 2 submissions from 2 submitters: Uncertain significance (1). 1 of the submissions does not count toward it. Last evaluated 2022-11-18.

Conditions:
Fanconi anemia (FA). Also called: Fanconi's anemia. Identifiers: Orphanet 84, MedGen C0015625, MeSH D005199, MONDO:0019391.

Allele frequency attached by ClinVar (database versions not stated): TOPMed below 0.00001; ESP Exome Variant Server 0.00008.
gnomAD v4.1: 3 of 1,614,078 alleles (0.00019%); highest among the groups gnomAD compares: East Asian, 0.0022%; no homozygotes.

Submissions (2):

Mayo Clinic Laboratories, Mayo Clinic
Classification: Uncertain significance. Last evaluated: 2022-11-18. Review status: criteria provided, single submitter. Criteria: ACMG Guidelines, 2015. Collection method: clinical testing. Allele origin: germline. Observed: 1 variant allele.
Comment: PP3

Natera, Inc.
Classification: Uncertain significance for Fanconi anemia. Last evaluated: 2025-01-10. Review status: no assertion criteria provided. Collection method: clinical testing. Allele origin: germline. Not counted in ClinVar's aggregate classification.